The following is an entry in ClinVar:

NC_000007.13:g.(?_98800709)_(98800883_?)dup

Gene: KPNA7 (karyopherin subunit alpha 7; minus strand). Cytogenetic location: 7q22.1.
Variant type: Duplication.
Identifiers: ClinVar variation 646395 (VCV000646395.3).

ClinVar aggregate classification (germline): Uncertain significance (1 of 4 stars; one submission).

Submission:

Labcorp Genetics (formerly Invitae), Labcorp
Classification: Uncertain significance. Last evaluated: 2022-10-03. Review status: criteria provided, single submitter. Criteria: Invitae Variant Classification Sherloc (09022015). Collection method: clinical testing. Allele origin: germline.
Comment: This variant results in a copy number gain of the genomic region encompassing exon(s) 2 of the KPNA7 gene. While the exact position of this variant cannot be determined from the data, sub-genic copy number gains are generally in tandem (PMID: 25640679). This variant is predicted to be in-frame, and likely preserves the integrity of the reading frame. This variant has not been reported in the literature in individuals affected with KPNA7-related conditions. Experimental studies and prediction algorithms are not available or were not evaluated, and the functional significance of this variant is currently unknown. In summary, the available evidence is currently insufficient to determine the role of this variant in disease. Therefore, it has been classified as a Variant of Uncertain Significance.

Literature cited by the submitters: PubMed 25640679.